The following is an entry in ClinVar:

NM_006361.6(HOXB13):c.392C>G (p.Pro131Arg)

Gene: HOXB13 (homeobox B13; minus strand). Cytogenetic location: 17q21.32.
Variant type: single nucleotide variant.
Coding change: c.392C>G on transcript NM_006361.6 (MANE Select); coding-DNA position 392, C replaced by G.
Protein change: p.Pro131Arg; replaces proline 131 with arginine.
Molecular consequence: missense variant.
Genome position (GRCh38, 1-based): chr17:48,728,202, G>C on the plus strand (C>G on the coding strand, the complement: HOXB13 is on the minus strand). VCF-style: chr17-48728202-G-C. GRCh37 (hg19) VCF-style: chr17-46805564-G-C.
Other names: short protein forms P131R.
Identifiers: ClinVar variation 1372979 (VCV001372979.6), dbSNP rs2038234130, ClinGen allele CA400107552.

ClinVar aggregate classification (germline): Uncertain significance (1 of 4 stars; one submission).

Submission:

Labcorp Genetics (formerly Invitae), Labcorp
Classification: Uncertain significance. Last evaluated: 2021-08-06. Review status: criteria provided, single submitter. Criteria: Invitae Variant Classification Sherloc (09022015). Collection method: clinical testing. Allele origin: germline.
Comment: In summary, the available evidence is currently insufficient to determine the role of this variant in disease. Therefore, it has been classified as a Variant of Uncertain Significance. Algorithms developed to predict the effect of missense changes on protein structure and function are either unavailable or do not agree on the potential impact of this missense change (SIFT: "Tolerated"; PolyPhen-2: "Probably Damaging"; Align-GVGD: "Class C0"). This variant has not been reported in the literature in individuals affected with HOXB13-related conditions. This variant is not present in population databases (ExAC no frequency). This sequence change replaces proline with arginine at codon 131 of the HOXB13 protein (p.Pro131Arg). The proline residue is moderately conserved and there is a moderate physicochemical difference between proline and arginine.